The following is an entry in ClinVar:

NM_000051.4(ATM):c.4547A>T (p.His1516Leu)

Gene: ATM (ATM serine/threonine kinase; plus strand). Cytogenetic location: 11q22.3.
Variant type: single nucleotide variant.
Coding change: c.4547A>T on transcript NM_000051.4 (MANE Select); coding-DNA position 4547, A replaced by T.
Protein change: p.His1516Leu; replaces histidine 1516 with leucine.
Molecular consequence: missense variant.
Genome position (GRCh38, 1-based): chr11:108,292,729, A>T. VCF-style: chr11-108292729-A-T. GRCh37 (hg19) VCF-style: chr11-108163456-A-T.
Other names: c.4547A>T, p.His1516Leu (NM_001351834.2); short protein forms H1516L.
Identifiers: ClinVar variation 1992715 (VCV001992715.4), dbSNP rs1565461434, ClinGen allele CA382533806.

ClinVar aggregate classification (germline): Uncertain significance (1 of 4 stars; one submission).

Conditions:
Ataxia-telangiectasia syndrome (AT). Also called: Ataxia telangiectasia (A-T); Cerebello-oculocutaneous telangiectasia; Immunodeficiency with ataxia telangiectasia; Ataxia-telangiectasia, complementation group D; Ataxia-telangiectasia, complementation group E; LOUIS-BAR SYNDROME. Identifiers: Orphanet 100, MedGen C0004135, MONDO:0008840, OMIM 208900.

Submission:

Labcorp Genetics (formerly Invitae), Labcorp
Classification: Uncertain significance for Ataxia-telangiectasia syndrome. Last evaluated: 2022-05-10. Review status: criteria provided, single submitter. Criteria: Invitae Variant Classification Sherloc (09022015). Collection method: clinical testing. Allele origin: germline.
Comment: In summary, the available evidence is currently insufficient to determine the role of this variant in disease. Therefore, it has been classified as a Variant of Uncertain Significance. Advanced modeling of protein sequence and biophysical properties (such as structural, functional, and spatial information, amino acid conservation, physicochemical variation, residue mobility, and thermodynamic stability) performed at Invitae indicates that this missense variant is not expected to disrupt ATM protein function. This variant has not been reported in the literature in individuals affected with ATM-related conditions. This variant is not present in population databases (gnomAD no frequency). This sequence change replaces histidine, which is basic and polar, with leucine, which is neutral and non-polar, at codon 1516 of the ATM protein (p.His1516Leu).